The following is an entry in ClinVar:

NM_032409.3(PINK1):c.*40G>A

Genes: PINK1 (PTEN induced kinase 1; plus strand), PINK1-AS (PINK1 antisense RNA; minus strand). Cytogenetic location: 1p36.12.
Variant type: single nucleotide variant.
Coding change: c.*40G>A on transcript NM_032409.3 (MANE Select); 40 bases downstream of the stop codon, G replaced by A.
Molecular consequence: 3 prime UTR variant. On other transcripts: non-coding transcript variant (1).
Genome position (GRCh38, 1-based): chr1:20,650,731, G>A. VCF-style: chr1-20650731-G-A. GRCh37 (hg19) VCF-style: chr1-20977224-G-A.
Identifiers: ClinVar variation 874056 (VCV000874056.6), dbSNP rs115768147, ClinGen allele CA660936.

ClinVar aggregate classification (germline): Benign/Likely benign. Review status: criteria provided, multiple submitters, no conflicts (2 of 4 stars). 3 submissions from 3 submitters: Benign (1); Likely benign (2). Last evaluated 2018-07-14.

Conditions:
Autosomal recessive early-onset Parkinson disease 6 (PARK6). Also called: PINK1-Related Parkinson Disease; PINK1 Type of Young-Onset Parkinson Disease; PARKINSON DISEASE 6, EARLY-ONSET; PARKINSON DISEASE 6, MODIFIER OF. Identifiers: Orphanet 2828, MedGen C1853833, MONDO:0011613, OMIM 605909.

Allele frequency attached by ClinVar (database versions not stated): gnomAD exomes 0.01390; ExAC 0.01464; ESP Exome Variant Server 0.01661; gnomAD 0.01678 and 0.01764; TOPMed 0.01865; 1000 Genomes Project 0.03355; 1000 Genomes Project 30x 0.03373.

Submissions (3):

GeneDx
Classification: Benign. Last evaluated: 2018-07-14. Review status: criteria provided, single submitter. Criteria: GeneDx Variant Classification Process June 2021. Collection method: clinical testing. Allele origin: germline. Affected: yes.

Illumina Laboratory Services, Illumina
Classification: Likely benign for Autosomal recessive early-onset Parkinson disease 6. Last evaluated: 2018-01-13. Review status: criteria provided, single submitter. Criteria: ICSL Variant Classification Criteria 13 December 2019. Collection method: clinical testing. Allele origin: germline.
Comment: This variant was observed in the ICSL laboratory as part of a predisposition screen in an ostensibly healthy population. It had not been previously curated by ICSL or reported in the Human Gene Mutation Database (HGMD: prior to June 1st, 2018), and was therefore a candidate for classification through an automated scoring system. Utilizing variant allele frequency, disease prevalence and penetrance estimates, and inheritance mode, an automated score was calculated to assess if this variant is too frequent to cause the disease. Based on the score and internal cut-off values, a variant classified as likely benign is not then subjected to further curation. The score for this variant resulted in a classification of likely benign for this disease.

Breakthrough Genomics
Classification: Likely benign. Review status: criteria provided, single submitter. Criteria: ACMG Guidelines, 2015. Collection method: not provided. Allele origin: germline. Inheritance: Autosomal recessive inheritance. Affected: yes.